The following is an entry in ClinVar:

NM_000492.4(CFTR):c.76A>G (p.Lys26Glu)

Gene: CFTR (CF transmembrane conductance regulator; plus strand). Cytogenetic location: 7q31.2.
Variant type: single nucleotide variant.
Coding change: c.76A>G on transcript NM_000492.4 (MANE Select); coding-DNA position 76, A replaced by G.
Protein change: p.Lys26Glu; replaces lysine 26 with glutamic acid.
Molecular consequence: missense variant.
Genome position (GRCh38, 1-based): chr7:117,504,275, A>G. VCF-style: chr7-117504275-A-G. GRCh37 (hg19) VCF-style: chr7-117144329-A-G.
Other names: short protein forms K26E.
Identifiers: ClinVar variation 575729 (VCV000575729.12), dbSNP rs759726535, ClinGen allele CA4450631.

ClinVar aggregate classification (germline): Uncertain significance. Review status: criteria provided, multiple submitters, no conflicts (2 of 4 stars). 8 submissions from 8 submitters: Uncertain significance (7). 1 of the submissions does not count toward it. Last evaluated 2025-09-30.

Conditions:
Cystic fibrosis (CF). Also called: MUCOVISCIDOSIS. Identifiers: Orphanet 586, MedGen C0010674, MONDO:0009061, OMIM 219700. Disease mechanism: loss of function.
CFTR-related disorder (CFTR-RD). Also called: CFTR-related condition; CFTR-related disorders. Identifiers: MedGen C5924204, MONDO:7770004.

Allele frequency attached by ClinVar (database versions not stated): gnomAD exomes 0.00001 and 0.00002; ExAC 0.00002.
gnomAD v4.1: 16 of 1,610,574 alleles (0.00099%); highest among the groups gnomAD compares: Middle Eastern, 0.017%; no homozygotes.

Submissions (8):

Labcorp Genetics (formerly Invitae), Labcorp
Classification: Uncertain significance for Cystic fibrosis. Last evaluated: 2025-09-30. Review status: criteria provided, single submitter. Criteria: Invitae Variant Classification Sherloc (09022015). Collection method: clinical testing. Allele origin: germline.
Comment: This sequence change replaces lysine, which is basic and polar, with glutamic acid, which is acidic and polar, at codon 26 of the CFTR protein (p.Lys26Glu). This variant is present in population databases (rs759726535, gnomAD 0.003%). This missense change has been observed in individual(s) with cystic fibrosis (PMID: 38966678). ClinVar contains an entry for this variant (Variation ID: 575729). Invitae Evidence Modeling of protein sequence and biophysical properties (such as structural, functional, and spatial information, amino acid conservation, physicochemical variation, residue mobility, and thermodynamic stability) indicates that this missense variant is expected to disrupt CFTR protein function with a positive predictive value of 80%. In summary, the available evidence is currently insufficient to determine the role of this variant in disease. Therefore, it has been classified as a Variant of Uncertain Significance.

PreventionGenetics, part of Exact Sciences
Classification: Uncertain significance for CFTR-related condition. Last evaluated: 2023-08-24. Review status: criteria provided, single submitter. Criteria: ACMG Guidelines, 2015. Collection method: clinical testing. Allele origin: germline.
Comment: The CFTR c.76A>G variant is predicted to result in the amino acid substitution p.Lys26Glu. To our knowledge, this variant has not been reported in the literature. This variant is reported in 0.0035% of alleles in individuals of European (Non-Finnish) descent in gnomAD. At this time, the clinical significance of this variant is uncertain due to the absence of conclusive functional and genetic evidence.

Ambry Genetics
Classification: Uncertain significance for Cystic fibrosis. Last evaluated: 2021-11-01. Review status: criteria provided, single submitter. Criteria: Ambry Variant Classification Scheme 2023. Collection method: clinical testing. Allele origin: germline.
Comment: The p.K26E variant (also known as c.76A>G), located in coding exon 2 of the CFTR gene, results from an A to G substitution at nucleotide position 76. The lysine at codon 26 is replaced by glutamic acid, an amino acid with similar properties. This amino acid position is highly conserved in available vertebrate species. In addition, this alteration is predicted to be deleterious by in silico analysis. Since supporting evidence is limited at this time, the clinical significance of this alteration remains unclear.

Genome-Nilou Lab
Classification: Uncertain significance for Cystic fibrosis. Last evaluated: 2021-09-05. Review status: criteria provided, single submitter. Criteria: ACMG Guidelines, 2015. Collection method: clinical testing. Allele origin: germline. Affected: no.

Women's Health and Genetics/Laboratory Corporation of America, LabCorp
Classification: Uncertain significance. Last evaluated: 2021-06-04. Review status: criteria provided, single submitter. Criteria: LabCorp Variant Classification Summary - May 2015. Collection method: clinical testing. Allele origin: germline.
Comment: Variant summary: CFTR c.76A>G (p.Lys26Glu) results in a conservative amino acid change in the encoded protein sequence. Three of five in-silico tools predict a damaging effect of the variant on protein function. The variant allele was found at a frequency of 1.6e-05 in 250942 control chromosomes. The available data on variant occurrences in the general population are insufficient to allow any conclusion about variant significance. To our knowledge, no occurrence of c.76A>G in individuals affected with Cystic Fibrosis and no experimental evidence demonstrating its impact on protein function have been reported in the literature. Two other clinical diagnostic laboratories have submitted clinical-significance assessments for this variant to ClinVar after 2014 without evidence for independent evaluation. Both laboratories cited the variant as uncertain significance. Based on the evidence outlined above, the variant was classified as uncertain significance.

Blueprint Genetics
Classification: Uncertain significance. Last evaluated: 2020-09-23. Review status: criteria provided, single submitter. Criteria: ACMG Guidelines, 2015. Collection method: clinical testing. Allele origin: germline.

Johns Hopkins Genomics, Johns Hopkins University
Classification: Uncertain significance for Cystic fibrosis. Last evaluated: 2020-01-07. Review status: criteria provided, single submitter. Criteria: ACMG Guidelines, 2015. Collection method: clinical testing. Allele origin: germline.
Comment: It is classified as a variant of uncertain clinical significance in ClinVar by a single submitter. This variant (rs759726535) is rare (<0.1%) in a large population dataset (gnomAD: 4/250942 total alleles; 0.0016%; no homozygotes). Of three bioinformatics tools queried, one predicts that the substitution would probably be damaging, while two predict that it would be tolerated. The lysine residue at this position is conserved in all species assessed. We consider the clinical significance of c.76A>G to be uncertain at this time.

Natera, Inc.
Classification: Uncertain significance for CFTR-related disorders. Last evaluated: 2018-10-26. Review status: no assertion criteria provided. Collection method: clinical testing. Allele origin: germline. Not counted in ClinVar's aggregate classification.

Literature cited by the submitters: PubMed 38966678 (cited by Labcorp Genetics (formerly Invitae), Labcorp); PubMed 25735457 (cited by Women's Health and Genetics/Laboratory Corporation of America, LabCorp).